The following is an entry in ClinVar:

ClinVar aggregate classification (germline): Pathogenic/Likely pathogenic. Review status: criteria provided, multiple submitters, no conflicts (2 of 4 stars). 4 submissions from 4 submitters: Pathogenic (2); Likely pathogenic (2). Last evaluated 2024-06-17.

Conditions:
Hereditary cancer-predisposing syndrome. Also called: Hereditary neoplastic syndrome; Neoplastic Syndromes, Hereditary; Tumor predisposition; Hereditary Cancer Syndrome. Identifiers: Orphanet 140162, MedGen C0027672, MeSH D009386, MONDO:0015356.
Von Hippel-Lindau syndrome (VHLS). Also called: von Hippel–Lindau syndrome; Von Hippel-Lindau; VHL syndrome. Identifiers: Orphanet 892, MedGen C0019562, MONDO:0008667, OMIM 193300. Disease mechanism: loss of function.
Chuvash polycythemia. Also called: POLYCYTHEMIA, VHL-DEPENDENT. Identifiers: Orphanet 238557, MedGen C1837915, MONDO:0009892, OMIM 263400.

Submissions (4):

Labcorp Genetics (formerly Invitae), Labcorp
Classification: Pathogenic for Von Hippel-Lindau syndrome; Chuvash polycythemia. Last evaluated: 2024-06-17. Review status: criteria provided, single submitter. Criteria: Invitae Variant Classification Sherloc (09022015). Collection method: clinical testing. Allele origin: germline.
Comment: This sequence change replaces leucine, which is neutral and non-polar, with proline, which is neutral and non-polar, at codon 128 of the VHL protein (p.Leu128Pro). This variant is not present in population databases (gnomAD no frequency). This missense change has been observed in individuals with clinical features of von Hippel-Lindau syndrome (PMID: 19270817; Invitae). ClinVar contains an entry for this variant (Variation ID: 1208816). Advanced modeling of protein sequence and biophysical properties (such as structural, functional, and spatial information, amino acid conservation, physicochemical variation, residue mobility, and thermodynamic stability) performed at Invitae indicates that this missense variant is expected to disrupt VHL protein function with a positive predictive value of 95%. This variant disrupts the p.Leu128 amino acid residue in VHL. Other variant(s) that disrupt this residue have been determined to be pathogenic (PMID: 8956040, 9681856; Invitae). This suggests that this residue is clinically significant, and that variants that disrupt this residue are likely to be disease-causing. For these reasons, this variant has been classified as Pathogenic.

Myriad Genetics, Inc.
Classification: Likely pathogenic for Von Hippel-Lindau syndrome. Last evaluated: 2023-04-04. Review status: criteria provided, single submitter. Criteria: Myriad Autosomal Dominant, Autosomal Recessive and X-Linked Classification Criteria (2023). Collection method: clinical testing. Allele origin: unknown.
Comment: This variant is considered likely pathogenic. This variant has been reported in multiple individuals with clinical features of gene-specific disease [PMID: 25078357, 25562111, 25081542]. This variant is expected to disrupt protein structure [Myriad internal data].

GeneDx
Classification: Likely pathogenic. Last evaluated: 2019-10-02. Review status: criteria provided, single submitter. Criteria: GeneDx Variant Classification Process June 2021. Collection method: clinical testing. Allele origin: germline. Affected: yes.
Comment: Not observed in large population cohorts (Lek 2016); Observed in individuals with phenotypes consistent with pathogenic variants in VHL referred for genetic testing at GeneDx and in published literature (Cho 2009, Park 2015); In silico analysis, which includes protein predictors and evolutionary conservation, supports a deleterious effect; This variant is associated with the following publications: (PMID: 19270817, 27530247, 27527340, 25562111)

Ambry Genetics
Classification: Pathogenic for Hereditary cancer-predisposing syndrome. Last evaluated: 2019-09-27. Review status: criteria provided, single submitter. Criteria: Ambry Variant Classification Scheme 2023. Collection method: clinical testing. Allele origin: germline.
Comment: The p.L128P pathogenic mutation (also known as c.383T>C), located in coding exon 2 of the VHL gene, results from a T to C substitution at nucleotide position 383. The leucine at codon 128 is replaced by proline, an amino acid with similar properties. This alteration has been detected in individuals meeting clinical criteria for von Hippel-Lindau disease (Cho HJ et al. J. Korean Med. Sci. 2009 Feb;24:77-83; Ambry internal data). Based on internal structural analysis, this variant is anticipated to result in a significant decrease in structural stability (Testa A et al. J. Am. Chem. Soc. 2018 07;140:9299-9313). This amino acid position is highly conserved in available vertebrate species. In addition, this alteration is predicted to be deleterious by in silico analysis. As such, this alteration is interpreted as a disease-causing mutation.

Literature cited by the submitters: PubMed 19270817 (cited by Labcorp Genetics (formerly Invitae), Labcorp and Ambry Genetics); PubMed 8956040 (cited by Labcorp Genetics (formerly Invitae), Labcorp); PubMed 9681856 (cited by Labcorp Genetics (formerly Invitae), Labcorp); PubMed 25078357 (cited by Myriad Genetics, Inc.); PubMed 25562111 (cited by Myriad Genetics, Inc.); PubMed 25081542 (cited by Myriad Genetics, Inc.); PubMed 29949369 (cited by Ambry Genetics).

NM_000551.4(VHL):c.383T>C (p.Leu128Pro)

Genes: VHL (von Hippel-Lindau tumor suppressor; plus strand), LOC107303340 (3p25 von Hippel-Lindau tumor suppressor, E3 ubiquitin protein ligase Alu-mediated recombination region; plus strand). Cytogenetic location: 3p25.3.
Variant type: single nucleotide variant.
Coding change: c.383T>C on transcript NM_000551.4 (MANE Select); coding-DNA position 383, T replaced by C.
Protein change: p.Leu128Pro; replaces leucine 128 with proline.
Molecular consequence: missense variant. On other transcripts: intron variant (2).
Genome position (GRCh38, 1-based): chr3:10,146,556, T>C. VCF-style: chr3-10146556-T-C. GRCh37 (hg19) VCF-style: chr3-10188240-T-C.
Other names: c.*18-3231T>C (NM_001354723.2); c.341-3231T>C (NM_198156.3); short protein forms L128P.
Identifiers: ClinVar variation 1208816 (VCV001208816.9), dbSNP rs2125128327, ClinGen allele CA351753889.